The following is an entry in ClinVar:

NM_005502.4(ABCA1):c.6284G>A (p.Arg2095Lys)

Genes: ABCA1 (ATP binding cassette subfamily A member 1; minus strand), NIPSNAP3B (nipsnap homolog 3B; plus strand). Cytogenetic location: 9q31.1.
Variant type: single nucleotide variant.
Coding change: c.6284G>A on transcript NM_005502.4 (MANE Select); coding-DNA position 6284, G replaced by A.
Protein change: p.Arg2095Lys; replaces arginine 2095 with lysine.
Molecular consequence: missense variant.
Genome position (GRCh38, 1-based): chr9:104,786,897, C>T on the plus strand (G>A on the coding strand, the complement: ABCA1 is on the minus strand). VCF-style: chr9-104786897-C-T. GRCh37 (hg19) VCF-style: chr9-107549178-C-T.
Other names: short protein forms R2095K.
Identifiers: ClinVar variation 4868676 (VCV004868676.1).

ClinVar aggregate classification (germline): Uncertain significance (1 of 4 stars; one submission).

Conditions:
Cardiovascular phenotype. Identifiers: MedGen CN230736.

gnomAD v4.1: 1 of 1,614,036 alleles (0.000062%); highest among the groups gnomAD compares: Non-Finnish European, 0.000085%; no homozygotes.

Submission:

Ambry Genetics
Classification: Uncertain significance for Cardiovascular phenotype. Last evaluated: 2026-05-14. Review status: criteria provided, single submitter. Criteria: Ambry Variant Classification Scheme 2023. Collection method: clinical testing. Allele origin: germline.
Comment: The p.R2095K variant (also known as c.6284G>A), located in coding exon 46 of the ABCA1 gene, results from a G to A substitution at nucleotide position 6284. The arginine at codon 2095 is replaced by lysine, an amino acid with highly similar properties. This amino acid position is conserved. In addition, this alteration is predicted to be deleterious by in silico analysis. Based on the available evidence, the clinical significance of this variant remains unclear.